The following is an entry in ClinVar:

NM_003074.4(SMARCC1):c.-10_-9del

Genes: SMARCC1 (SWI/SNF related BAF chromatin remodeling complex subunit C1; minus strand), LOC112935944 (Sharpr-MPRA regulatory region 56; plus strand). Cytogenetic location: 3p21.31.
Variant type: Deletion.
Coding change: c.-10_-9del on transcript NM_003074.4 (MANE Select); 10 bases upstream of the start codon through 9 bases upstream of the start codon, 2 bases deleted (GG; older notation c.-10_-9delGG).
Molecular consequence: 5 prime UTR variant.
Genome position (GRCh38, 1-based): chr3:47,781,806-47,781,807, CC deleted on the plus strand (GG on the coding strand, the reverse complement: SMARCC1 is on the minus strand); deleting any 2 consecutive bases within chr3:47,781,806-47,781,808 gives the same sequence; the c. name uses the placement nearest the transcript's 3' end. VCF-style (leftmost placement, unchanged base first): chr3-47781805-GCC-G. GRCh37 (hg19) VCF-style: chr3-47823295-GCC-G.
Identifiers: ClinVar variation 3050649 (VCV003050649.2), dbSNP rs2549224373, ClinGen allele CA2740094368.
Genomic context (GRCh38, chr3:47,781,805, plus strand): 5'-CCCGTGGCGCCTACCGCTGTCCCCGGCCCGCCGCCGCCCGCCGCTGCGGCCATCGTCGCA[GCC>G]CGTCGTCCCCACAGCCTGGCCCACCCCGGCCCTCGCGGTGTTTCCCGGTCGTTCCCGCGC-3'

ClinVar aggregate classification (germline): Likely benign (0 of 4 stars; one submission).

Conditions:
SMARCC1-related disorder. Also called: SMARCC1-related condition.

Submission:

PreventionGenetics, part of Exact Sciences
Classification: Likely benign for SMARCC1-related condition. Last evaluated: 2019-02-28. Review status: no assertion criteria provided. Collection method: clinical testing. Allele origin: germline.
Comment: This variant is classified as likely benign based on ACMG/AMP sequence variant interpretation guidelines (Richards et al. 2015 PMID: 25741868, with internal and published modifications).